The following is an entry in ClinVar:

NM_000447.3(PSEN2):c.665A>C (p.Lys222Thr)

Gene: PSEN2 (presenilin 2; plus strand). Cytogenetic location: 1q42.13.
Variant type: single nucleotide variant.
Coding change: c.665A>C on transcript NM_000447.3 (MANE Select); coding-DNA position 665, A replaced by C.
Protein change: p.Lys222Thr; replaces lysine 222 with threonine.
Molecular consequence: missense variant.
Genome position (GRCh38, 1-based): chr1:226,888,927, A>C. VCF-style: chr1-226888927-A-C. GRCh37 (hg19) VCF-style: chr1-227076628-A-C.
Other names: c.665A>C, p.Lys222Thr (NM_012486.3); short protein forms K222T.
Identifiers: ClinVar variation 2639973 (VCV002639973.24), dbSNP rs1163620977, ClinGen allele CA345040460.

ClinVar aggregate classification (germline): Uncertain significance (1 of 4 stars; one submission).

Allele frequency attached by ClinVar (database versions not stated): TOPMed below 0.00001; gnomAD 0.00001.
gnomAD v4.1: 13 of 1,614,054 alleles (0.00081%); highest among the groups gnomAD compares: Non-Finnish European, 0.001%; no homozygotes.

Submission:

CeGaT Center for Human Genetics Tuebingen
Classification: Uncertain significance. Last evaluated: 2023-01-01. Review status: criteria provided, single submitter. Criteria: CeGaT Center For Human Genetics Tuebingen Variant Classification Criteria Version 2. Collection method: clinical testing. Allele origin: germline. Affected: yes. Observed: 1 variant allele.
Comment: PSEN2: PM2, PS4:Supporting